The following is an entry in ClinVar:

NM_022489.4(INF2):c.210_224dup (p.Glu70_Leu74dup)

Gene: INF2 (inverted formin 2; plus strand). Cytogenetic location: 14q32.33.
Variant type: Duplication.
Coding change: c.210_224dup on transcript NM_022489.4 (MANE Select); coding-DNA positions 210 to 224, 15 bases duplicated (GCAGAGCGGCCTGGA).
Protein change: p.Glu70_Leu74dup.
Molecular consequence: inframe insertion.
Genome position (GRCh38, 1-based): chr14:104,701,575-104,701,589, GCAGAGCGGCCTGGA duplicated; duplicating any 15 consecutive bases within chr14:104,701,569-104,701,589 gives the same sequence; the c. name uses the placement nearest the transcript's 3' end. VCF-style (leftmost placement, unchanged base first): chr14-104701568-T-TCCTGGAGCAGAGCGG. GRCh37 (hg19) VCF-style: chr14-105167905-T-TCCTGGAGCAGAGCGG.
Other names: c.210_224dup, p.Glu70_Leu74dup (NM_001031714.4, NM_032714.3).
Identifiers: ClinVar variation 1022806 (VCV001022806.8), dbSNP rs1889497296, ClinGen allele CA2160924668.

ClinVar aggregate classification (germline): Uncertain significance (1 of 4 stars; one submission).

Conditions:
Focal segmental glomerulosclerosis 5 (FSGS5). Identifiers: Orphanet 656, MedGen C2750475, MONDO:0013191, OMIM 613237.
Charcot-Marie-Tooth disease dominant intermediate E. Also called: CHARCOT-MARIE-TOOTH NEUROPATHY WITH FOCAL SEGMENTAL GLOMERULONEPHRITIS. Identifiers: Orphanet 93114, MedGen C4302667, MONDO:0013758, OMIM 614455.

Submission:

Labcorp Genetics (formerly Invitae), Labcorp
Classification: Uncertain significance for Charcot-Marie-Tooth disease dominant intermediate E; Focal segmental glomerulosclerosis 5. Last evaluated: 2020-05-21. Review status: criteria provided, single submitter. Criteria: Invitae Variant Classification Sherloc (09022015). Collection method: clinical testing. Allele origin: germline.
Comment: In summary, the available evidence is currently insufficient to determine the role of this variant in disease. Therefore, it has been classified as a Variant of Uncertain Significance. Experimental studies and prediction algorithms are not available or were not evaluated, and the functional significance of this variant is currently unknown. This variant has not been reported in the literature in individuals with INF2-related conditions. This variant is not present in population databases (ExAC no frequency). This variant, c.210_224dup, results in the insertion of 5 amino acid(s) to the INF2 protein (p.Glu70_Leu74dup), but otherwise preserves the integrity of the reading frame.